The following is an entry in ClinVar:

NM_004104.5(FASN):c.2167C>T (p.His723Tyr)

Gene: FASN (fatty acid synthase; minus strand). Cytogenetic location: 17q25.3.
Variant type: single nucleotide variant.
Coding change: c.2167C>T on transcript NM_004104.5 (MANE Select); coding-DNA position 2167, C replaced by T.
Protein change: p.His723Tyr; replaces histidine 723 with tyrosine.
Molecular consequence: missense variant.
Genome position (GRCh38, 1-based): chr17:82,089,106, G>A on the plus strand (C>T on the coding strand, the complement: FASN is on the minus strand). VCF-style: chr17-82089106-G-A. GRCh37 (hg19) VCF-style: chr17-80046982-G-A.
Other names: short protein forms H723Y.
Identifiers: ClinVar variation 1433862 (VCV001433862.6), dbSNP rs1453811038, ClinGen allele CA401558533.

ClinVar aggregate classification (germline): Uncertain significance (1 of 4 stars; one submission).

Conditions:
Epileptic encephalopathy. Identifiers: MedGen C0543888, HP:0200134.

Allele frequency attached by ClinVar (database versions not stated): gnomAD exomes 0.00001 and 0.00002.
gnomAD v4.1: 25 of 1,569,864 alleles (0.0016%); highest among the groups gnomAD compares: Non-Finnish European, 0.0021%; no homozygotes.

Submission:

Labcorp Genetics (formerly Invitae), Labcorp
Classification: Uncertain significance for Epileptic encephalopathy. Last evaluated: 2025-04-17. Review status: criteria provided, single submitter. Criteria: Invitae Variant Classification Sherloc (09022015). Collection method: clinical testing. Allele origin: germline.
Comment: This sequence change replaces histidine, which is basic and polar, with tyrosine, which is neutral and polar, at codon 723 of the FASN protein (p.His723Tyr). The frequency data for this variant in the population databases is considered unreliable, as metrics indicate poor data quality at this position in the gnomAD database. This variant has not been reported in the literature in individuals affected with FASN-related conditions. ClinVar contains an entry for this variant (Variation ID: 1433862). An algorithm developed to predict the effect of missense changes on protein structure and function (PolyPhen-2) suggests that this variant is likely to be tolerated. In summary, the available evidence is currently insufficient to determine the role of this variant in disease. Therefore, it has been classified as a Variant of Uncertain Significance.